The following is an entry in ClinVar:

ClinVar aggregate classification (germline): Uncertain significance (1 of 4 stars; one submission).

Allele frequency attached by ClinVar (database versions not stated): TOPMed below 0.00001; gnomAD 0.00001; gnomAD exomes 0.00001.

Submission:

Labcorp Genetics (formerly Invitae), Labcorp
Classification: Uncertain significance. Last evaluated: 2022-11-23. Review status: criteria provided, single submitter. Criteria: Invitae Variant Classification Sherloc (09022015). Collection method: clinical testing. Allele origin: germline.
Comment: In summary, the available evidence is currently insufficient to determine the role of this variant in disease. Therefore, it has been classified as a Variant of Uncertain Significance. Algorithms developed to predict the effect of missense changes on protein structure and function output the following: SIFT: "Tolerated"; PolyPhen-2: "Probably Damaging"; Align-GVGD: "Class C0". The serine amino acid residue is found in multiple mammalian species, which suggests that this missense change does not adversely affect protein function. This variant has not been reported in the literature in individuals affected with CFP-related conditions. The frequency data for this variant in the population databases is considered unreliable, as metrics indicate poor data quality at this position in the gnomAD database. This sequence change replaces proline, which is neutral and non-polar, with serine, which is neutral and polar, at codon 9 of the CFP protein (p.Pro9Ser).

NM_001145252.3(CFP):c.25C>T (p.Pro9Ser)

Gene: CFP (complement factor properdin; minus strand). Cytogenetic location: Xp11.23.
Variant type: single nucleotide variant.
Coding change: c.25C>T on transcript NM_001145252.3 (MANE Select); coding-DNA position 25, C replaced by T.
Protein change: p.Pro9Ser; replaces proline 9 with serine.
Molecular consequence: missense variant.
Genome position (GRCh38, 1-based): chrX:47,629,820, G>A on the plus strand (C>T on the coding strand, the complement: CFP is on the minus strand). VCF-style: chrX-47629820-G-A. GRCh37 (hg19) VCF-style: chrX-47489219-G-A.
Other names: c.25C>T, p.Pro9Ser (NM_002621.2); short protein forms P9S.
Identifiers: ClinVar variation 2815774 (VCV002815774.3), dbSNP rs1295571769, ClinGen allele CA412839732.